The following is an entry in ClinVar:

NM_004304.5(ALK):c.59G>A (p.Gly20Asp)

Gene: ALK (ALK receptor tyrosine kinase; minus strand). Cytogenetic location: 2p23.1.
Variant type: single nucleotide variant.
Coding change: c.59G>A on transcript NM_004304.5 (MANE Select); coding-DNA position 59, G replaced by A.
Protein change: p.Gly20Asp; replaces glycine 20 with aspartic acid.
Molecular consequence: missense variant.
Genome position (GRCh38, 1-based): chr2:29,920,601, C>T on the plus strand (G>A on the coding strand, the complement: ALK is on the minus strand). VCF-style: chr2-29920601-C-T. GRCh37 (hg19) VCF-style: chr2-30143467-C-T.
Other names: short protein forms G20D.
Identifiers: ClinVar variation 665721 (VCV000665721.9), dbSNP rs1572504071, ClinGen allele CA346590770.
Genomic context (GRCh38, chr2:29,920,601, plus strand): 5'-GGCTGCAGCGGCGGCCCCGCAGCTGGGGAGCCCGCGCGCTGGCCGGTCCCCATCCCGGAG[C>T]CCACAGCTGCCGTGGAAAGCAGCAGCGGCAGGAGCCACAGGAGCCCGATGGCTCCCATCC-3'
Protein context (NP_004295.2, residues 10-30): LPLLLSTAAV[Gly20Asp]SGMGTGQRAG

ClinVar aggregate classification (germline): Uncertain significance. Review status: criteria provided, multiple submitters, no conflicts (2 of 4 stars). 2 submissions from 2 submitters: Uncertain significance (2). Last evaluated 2025-05-10.

Conditions:
Hereditary cancer-predisposing syndrome. Also called: Neoplastic Syndromes, Hereditary; Hereditary neoplastic syndrome; Tumor predisposition; Hereditary Cancer Syndrome. Identifiers: Orphanet 140162, MedGen C0027672, MeSH D009386, MONDO:0015356.
Neuroblastoma, susceptibility to, 3. Also called: ALK-Related Neuroblastic Tumor Susceptibility. Identifiers: Orphanet 635, MedGen C2751681, MONDO:0013083, OMIM 613014.

Allele frequency attached by ClinVar (database versions not stated): gnomAD exomes below 0.00001.
gnomAD v4.1: 1 of 1,558,190 alleles (0.000064%); highest among the groups gnomAD compares: Non-Finnish European, 0.000086%; no homozygotes.

Submissions (2):

Ambry Genetics
Classification: Uncertain significance for Hereditary cancer-predisposing syndrome. Last evaluated: 2025-05-10. Review status: criteria provided, single submitter. Criteria: Ambry Variant Classification Scheme 2023. Collection method: clinical testing. Allele origin: germline.
Comment: The p.G20D variant (also known as c.59G>A), located in coding exon 1 of the ALK gene, results from a G to A substitution at nucleotide position 59. The glycine at codon 20 is replaced by aspartic acid, an amino acid with similar properties. This amino acid position is conserved. In addition, this alteration is predicted to be tolerated by in silico analysis. Based on the available evidence, the clinical significance of this variant remains unclear.

Labcorp Genetics (formerly Invitae), Labcorp
Classification: Uncertain significance for Neuroblastoma, susceptibility to, 3. Last evaluated: 2018-12-26. Review status: criteria provided, single submitter. Criteria: Invitae Variant Classification Sherloc (09022015). Collection method: clinical testing. Allele origin: germline.
Comment: The frequency data for this variant in the population databases is considered unreliable, as metrics indicate insufficient coverage at this position in the ExAC database. In summary, the available evidence is currently insufficient to determine the role of this variant in disease. Therefore, it has been classified as a Variant of Uncertain Significance. Algorithms developed to predict the effect of missense changes on protein structure and function output the following: SIFT: "Tolerated"; PolyPhen-2: "Benign"; Align-GVGD: "Class C0". The aspartic acid amino acid residue is found in multiple mammalian species, suggesting that this missense change does not adversely affect protein function. These predictions have not been confirmed by published functional studies and their clinical significance is uncertain. This variant has not been reported in the literature in individuals with ALK-related conditions. This sequence change replaces glycine with aspartic acid at codon 20 of the ALK protein (p.Gly20Asp). The glycine residue is weakly conserved and there is a moderate physicochemical difference between glycine and aspartic acid.